The following is an entry in ClinVar:

NM_000179.3(MSH6):c.3412G>A (p.Gly1138Arg)

Gene: MSH6 (mutS homolog 6; plus strand). Cytogenetic location: 2p16.3.
Variant type: single nucleotide variant.
Coding change: c.3412G>A on transcript NM_000179.3 (MANE Select); coding-DNA position 3412, G replaced by A.
Protein change: p.Gly1138Arg; replaces glycine 1138 with arginine.
Molecular consequence: missense variant.
Genome position (GRCh38, 1-based): chr2:47,803,659, G>A. VCF-style: chr2-47803659-G-A. GRCh37 (hg19) VCF-style: chr2-48030798-G-A.
Other names: c.3022G>A, p.Gly1008Arg (NM_001281492.2); c.2506G>A, p.Gly836Arg (NM_001281493.2, NM_001281494.2); short protein forms G1008R, G836R, G1138R.
Identifiers: ClinVar variation 650516 (VCV000650516.9), dbSNP rs1572736091, ClinGen allele CA346758906.

ClinVar aggregate classification (germline): Uncertain significance. Review status: criteria provided, multiple submitters, no conflicts (2 of 4 stars). 2 submissions from 2 submitters: Uncertain significance (2). Last evaluated 2022-10-05.

Conditions:
Hereditary nonpolyposis colorectal neoplasms. Identifiers: MedGen C0009405, MeSH D003123.
Hereditary cancer-predisposing syndrome. Also called: Neoplastic Syndromes, Hereditary; Tumor predisposition; Hereditary Cancer Syndrome; Hereditary neoplastic syndrome. Identifiers: Orphanet 140162, MedGen C0027672, MeSH D009386, MONDO:0015356.

Submissions (2):

Labcorp Genetics (formerly Invitae), Labcorp
Classification: Uncertain significance for Hereditary nonpolyposis colorectal neoplasms. Last evaluated: 2022-10-05. Review status: criteria provided, single submitter. Criteria: Invitae Variant Classification Sherloc (09022015). Collection method: clinical testing. Allele origin: germline.
Comment: This sequence change replaces glycine, which is neutral and non-polar, with arginine, which is basic and polar, at codon 1138 of the MSH6 protein (p.Gly1138Arg). This variant is not present in population databases (gnomAD no frequency). This variant has not been reported in the literature in individuals affected with MSH6-related conditions. ClinVar contains an entry for this variant (Variation ID: 650516). Algorithms developed to predict the effect of missense changes on protein structure and function (SIFT, PolyPhen-2, Align-GVGD) all suggest that this variant is likely to be disruptive. In summary, the available evidence is currently insufficient to determine the role of this variant in disease. Therefore, it has been classified as a Variant of Uncertain Significance.

Ambry Genetics
Classification: Uncertain significance for Hereditary cancer-predisposing syndrome. Last evaluated: 2022-05-23. Review status: criteria provided, single submitter. Criteria: Ambry Variant Classification Scheme 2023. Collection method: clinical testing. Allele origin: germline.
Comment: The p.G1138R variant (also known as c.3412G>A), located in coding exon 5 of the MSH6 gene, results from a G to A substitution at nucleotide position 3412. The glycine at codon 1138 is replaced by arginine, an amino acid with dissimilar properties. This amino acid position is highly conserved in available vertebrate species. In addition, this alteration is predicted to be deleterious by in silico analysis. Since supporting evidence is limited at this time, the clinical significance of this alteration remains unclear.